The following is an entry in ClinVar:

ClinVar aggregate classification (germline): Uncertain significance (1 of 4 stars; one submission).

Conditions:
Malignant hyperthermia, susceptibility to, 1 (MHS1). Also called: Anesthesia related hyperthermia; Malignant hyperpyrexia; Fulminating hyperpyrexia; Pharmacogenic myopathy; RYR1-Related Malignant Hyperthermia Susceptibility; Malignant hyperthermia suceptibility 1. Identifiers: Orphanet 423, MedGen C2930980, MONDO:0007783, OMIM 145600.

Submission:

All of Us Research Program, National Institutes of Health
Classification: Uncertain significance for Malignant hyperthermia, susceptibility to, 1. Last evaluated: 2023-08-15. Review status: criteria provided, single submitter. Criteria: ACMG Guidelines, 2015. Collection method: clinical testing. Allele origin: germline. Inheritance: Autosomal dominant inheritance. Observed: 1 variant allele, 1 heterozygote.
Comment: This study involves interpretation of variants in research participants for the purpose of population health screening. Participant phenotype was not available at the time of variant classification. Additional details can be found in publication PMID: 35346344, PMCID: PMC8962531

NM_000540.3(RYR1):c.6534G>C (p.Met2178Ile)

Gene: RYR1 (ryanodine receptor 1; plus strand). Cytogenetic location: 19q13.2.
Variant type: single nucleotide variant.
Coding change: c.6534G>C on transcript NM_000540.3 (MANE Select); coding-DNA position 6534, G replaced by C.
Protein change: p.Met2178Ile; replaces methionine 2178 with isoleucine.
Molecular consequence: missense variant.
Genome position (GRCh38, 1-based): chr19:38,494,611, G>C. VCF-style: chr19-38494611-G-C. GRCh37 (hg19) VCF-style: chr19-38985251-G-C.
Other names: c.6534G>C, p.Met2178Ile (NM_001042723.2); short protein forms M2178I.
Identifiers: ClinVar variation 3072815 (VCV003072815.1), dbSNP rs2514276726, ClinGen allele CA405664441.
Genomic context (GRCh38, chr19:38,494,611, plus strand): 5'-CCTCGGCCAGATCCGCTCGCTGCTCATCGTGCAGATGGGCCCCCAGGAGGAGAACCTCAT[G>C]ATCCAGAGCATCGGGTGAGACACCGCCCTTCCCCCTTACTTTGCATATCCCCTTGGGTAA-3'
Protein context (NP_000531.2, residues 2168-2188): VQMGPQEENL[Met2178Ile]IQSIGNIMNN